The following is an entry in ClinVar:

ClinVar aggregate classification (germline): Uncertain significance (1 of 4 stars; one submission).

Conditions:
Familial acute necrotizing encephalopathy (IIAE3). Also called: ENCEPHALOPATHY, ACUTE, INFECTION-INDUCED, SUSCEPTIBILITY TO, 3; Susceptibility to Acute Necrotizing Encephalopathy 1. Identifiers: Orphanet 88619, MedGen C2675556, MONDO:0011953, OMIM 608033.

Submission:

Labcorp Genetics (formerly Invitae), Labcorp
Classification: Uncertain significance for Familial acute necrotizing encephalopathy. Last evaluated: 2020-06-12. Review status: criteria provided, single submitter. Criteria: Invitae Variant Classification Sherloc (09022015). Collection method: clinical testing. Allele origin: germline.
Comment: In summary, the available evidence is currently insufficient to determine the role of this variant in disease. Therefore, it has been classified as a Variant of Uncertain Significance. This variant, c.5725_5727del, results in the deletion of 1 amino acid(s) of the RANBP2 protein (p.Glu1909del), but otherwise preserves the integrity of the reading frame. This variant is not present in population databases (ExAC no frequency). This variant has not been reported in the literature in individuals with RANBP2-related conditions. Experimental studies and prediction algorithms are not available or were not evaluated, and the functional significance of this variant is currently unknown.

NM_006267.5(RANBP2):c.5725_5727del (p.Glu1909del)

Gene: RANBP2 (RAN binding protein 2; plus strand). Cytogenetic location: 2q13.
Variant type: Deletion.
Coding change: c.5725_5727del on transcript NM_006267.5 (MANE Select); coding-DNA positions 5725 to 5727, 3 bases deleted (GAA; older notation c.5725_5727delGAA).
Protein change: p.Glu1909del; deletes glutamic acid 1909.
Molecular consequence: inframe deletion.
Genome position (GRCh38, 1-based): chr2:108,766,264-108,766,266, GAA deleted; deleting any 3 consecutive bases within chr2:108,766,262-108,766,266 gives the same sequence; the c. name uses the placement nearest the transcript's 3' end. VCF-style (leftmost placement, unchanged base first): chr2-108766261-CAAG-C. GRCh37 (hg19) VCF-style: chr2-109382717-CAAG-C.
Other names: short protein forms E1909del.
Identifiers: ClinVar variation 1052347 (VCV001052347.10), dbSNP rs2149279748, ClinGen allele CA2499214947.
Genomic context (GRCh38, chr2:108,766,261, plus strand): 5'-GGATTTTCCATCCCTGTGTCTGCTGATGGATTTAAATTTGGCATTTCGGAACCAGGAAAT[CAAG>C]AAAAGAAAAGTGAAAAGCCTCTTGAAAATGGTACTGGCTTCCAGGCTCAGGATATTAGTG-3'